The following is an entry in ClinVar:

ClinVar aggregate classification (germline): Likely pathogenic (1 of 4 stars; one submission).

Conditions:
Familial thoracic aortic aneurysm and aortic dissection (TAAD). Also called: Thoracic aortic aneurysms and dissections. Identifiers: Orphanet 91387, MedGen C4707243, MONDO:0019625.

Submission:

Ambry Genetics
Classification: Likely pathogenic for Familial thoracic aortic aneurysm and aortic dissection. Last evaluated: 2020-02-10. Review status: criteria provided, single submitter. Criteria: Ambry Variant Classification Scheme 2023. Collection method: clinical testing. Allele origin: germline.
Comment: The p.G139R variant (also known as c.415G>C), located in coding exon 2 of the FLNA gene, results from a G to C substitution at nucleotide position 415. The glycine at codon 139 is replaced by arginine, an amino acid with dissimilar properties. This alteration was previously detected in a pediatric patient reported to have bilateral, diffuse nodular heterotopia, hypoplasia of the corpus callosum and other features (Srour M et al. Epilepsia. 2011;52:728-37). This amino acid position is highly conserved in available vertebrate species. In addition, this alteration is predicted to be deleterious by in silico analysis. Based on the majority of available evidence to date, this variant is likely to be pathogenic.

Literature cited by the submitters: PubMed 21320118.

NM_001110556.2(FLNA):c.415G>C (p.Gly139Arg)

Gene: FLNA (filamin A; minus strand). Cytogenetic location: Xq28.
Variant type: single nucleotide variant.
Coding change: c.415G>C on transcript NM_001110556.2 (MANE Select); coding-DNA position 415, G replaced by C.
Protein change: p.Gly139Arg; replaces glycine 139 with arginine.
Molecular consequence: missense variant.
Genome position (GRCh38, 1-based): chrX:154,368,049, C>G on the plus strand (G>C on the coding strand, the complement: FLNA is on the minus strand). VCF-style: chrX-154368049-C-G. GRCh37 (hg19) VCF-style: chrX-153596417-C-G.
Other names: c.415G>C, p.Gly139Arg (NM_001456.4); short protein forms G139R.
Identifiers: ClinVar variation 519881 (VCV000519881.5), dbSNP rs1557179684, ClinGen allele CA415250836.